The following is an entry in ClinVar:

NM_016169.4(SUFU):c.1160G>A (p.Gly387Asp)

Gene: SUFU (SUFU negative regulator of hedgehog signaling; plus strand). Cytogenetic location: 10q24.32.
Variant type: single nucleotide variant.
Coding change: c.1160G>A on transcript NM_016169.4 (MANE Select); coding-DNA position 1160, G replaced by A.
Protein change: p.Gly387Asp; replaces glycine 387 with aspartic acid.
Molecular consequence: missense variant.
Genome position (GRCh38, 1-based): chr10:102,617,292, G>A. VCF-style: chr10-102617292-G-A. GRCh37 (hg19) VCF-style: chr10-104377049-G-A.
Other names: c.1160G>A, p.Gly387Asp (NM_001178133.2); short protein forms G387D.
Identifiers: ClinVar variation 2042592 (VCV002042592.5), dbSNP rs747945243, ClinGen allele CA5667895.

ClinVar aggregate classification (germline): Uncertain significance. Review status: criteria provided, multiple submitters, no conflicts (2 of 4 stars). 2 submissions from 2 submitters: Uncertain significance (2). Last evaluated 2025-08-05.

Conditions:
Medulloblastoma (MDB). Also called: Medulloblastoma, somatic; MEDULLOBLASTOMA PREDISPOSITION SYNDROME. Identifiers: Orphanet 616, MedGen C0025149, MeSH D008527, MONDO:0007959, OMIM 155255, HP:0002885.
Gorlin syndrome. Also called: Basal cell nevus syndrome; Nevoid Basal Cell Carcinoma Syndrome. Identifiers: Orphanet 377, MedGen C0004779, MONDO:0007187.
Hereditary cancer-predisposing syndrome. Also called: Hereditary Cancer Syndrome; Tumor predisposition; Neoplastic Syndromes, Hereditary; Hereditary neoplastic syndrome. Identifiers: Orphanet 140162, MedGen C0027672, MeSH D009386, MONDO:0015356.

Allele frequency attached by ClinVar (database versions not stated): gnomAD exomes 0.00001; ExAC 0.00002.
gnomAD v4.1: 7 of 1,614,196 alleles (0.00043%); highest among the groups gnomAD compares: Non-Finnish European, 0.00051%; no homozygotes.

Submissions (2):

Labcorp Genetics (formerly Invitae), Labcorp
Classification: Uncertain significance for Gorlin syndrome; Medulloblastoma. Last evaluated: 2025-08-05. Review status: criteria provided, single submitter. Criteria: Invitae Variant Classification Sherloc (09022015). Collection method: clinical testing. Allele origin: germline.
Comment: This sequence change replaces glycine, which is neutral and non-polar, with aspartic acid, which is acidic and polar, at codon 387 of the SUFU protein (p.Gly387Asp). This variant is present in population databases (rs747945243, gnomAD 0.003%). This variant has not been reported in the literature in individuals affected with SUFU-related conditions. ClinVar contains an entry for this variant (Variation ID: 2042592). An algorithm developed to predict the effect of missense changes on protein structure and function (PolyPhen-2) suggests that this variant is likely to be disruptive. In summary, the available evidence is currently insufficient to determine the role of this variant in disease. Therefore, it has been classified as a Variant of Uncertain Significance.

Ambry Genetics
Classification: Uncertain significance for Hereditary cancer-predisposing syndrome. Last evaluated: 2024-02-27. Review status: criteria provided, single submitter. Criteria: Ambry Variant Classification Scheme 2023. Collection method: clinical testing. Allele origin: germline.
Comment: The p.G387D variant (also known as c.1160G>A), located in coding exon 10 of the SUFU gene, results from a G to A substitution at nucleotide position 1160. The glycine at codon 387 is replaced by aspartic acid, an amino acid with similar properties. This amino acid position is highly conserved in available vertebrate species. In addition, the in silico prediction for this alteration is inconclusive. Based on the available evidence, the clinical significance of this alteration remains unclear.